The following is an entry in ClinVar:

ClinVar aggregate classification (germline): Uncertain significance (1 of 4 stars; one submission).

Conditions:
Ullrich congenital muscular dystrophy 2 (UCMD2). Identifiers: Orphanet 75840, MedGen C4225314, MONDO:0014654, OMIM 616470.
Bethlem myopathy 2 (BTHLM2). Identifiers: Orphanet 536516, Orphanet 610, MedGen C4225313, MONDO:0034022, OMIM 616471.

Submission:

Labcorp Genetics (formerly Invitae), Labcorp
Classification: Uncertain significance for Bethlem myopathy 2; Ullrich congenital muscular dystrophy 2. Last evaluated: 2023-09-08. Review status: criteria provided, single submitter. Criteria: Invitae Variant Classification Sherloc (09022015). Collection method: clinical testing. Allele origin: germline.
Comment: Advanced modeling of protein sequence and biophysical properties (such as structural, functional, and spatial information, amino acid conservation, physicochemical variation, residue mobility, and thermodynamic stability) performed at Invitae indicates that this missense variant is not expected to disrupt COL12A1 protein function. In summary, the available evidence is currently insufficient to determine the role of this variant in disease. Therefore, it has been classified as a Variant of Uncertain Significance. This variant has not been reported in the literature in individuals affected with COL12A1-related conditions. This variant is not present in population databases (gnomAD no frequency). This sequence change replaces valine, which is neutral and non-polar, with glycine, which is neutral and non-polar, at codon 659 of the COL12A1 protein (p.Val659Gly).

NM_004370.6(COL12A1):c.1976T>G (p.Val659Gly)

Gene: COL12A1 (collagen type XII alpha 1 chain; minus strand). Cytogenetic location: 6q13.
Variant type: single nucleotide variant.
Coding change: c.1976T>G on transcript NM_004370.6 (MANE Select); coding-DNA position 1976, T replaced by G.
Protein change: p.Val659Gly; replaces valine 659 with glycine.
Molecular consequence: missense variant. On other transcripts: intron variant (2).
Genome position (GRCh38, 1-based): chr6:75,181,127, A>C on the plus strand (T>G on the coding strand, the complement: COL12A1 is on the minus strand). VCF-style: chr6-75181127-A-C. GRCh37 (hg19) VCF-style: chr6-75890843-A-C.
Other names: c.1976T>G, p.Val659Gly (NM_001424113.1, NM_001424114.1, NM_001424115.1); c.73+21593T>G (NM_001424116.1, NM_080645.3); short protein forms V659G.
Identifiers: ClinVar variation 2951712 (VCV002951712.3), dbSNP rs1769258939, ClinGen allele CA364767363.